The following is an entry in ClinVar:

NM_138393.4(REEP6):c.360GTT[1] (p.Leu121del)

Gene: REEP6 (receptor accessory protein 6; plus strand). Cytogenetic location: 19p13.3.
Variant type: Microsatellite.
Coding change: c.360GTT[1] on transcript NM_138393.4 (MANE Select); one copy of the 3-base unit GTT starting at c.360; the reference has two copies in a row; one copy, 3 bases deleted.
Protein change: p.Leu121del; deletes leucine 121.
Molecular consequence: inframe deletion.
Genome position (GRCh38, 1-based): chr19:1,496,299-1,496,301, GTT deleted; deleting any 3 consecutive bases within chr19:1,496,295-1,496,301 gives the same sequence; the position shown is the placement nearest the transcript's 3' end. VCF-style (leftmost placement, unchanged base first): chr19-1496294-CTGT-C. GRCh37 (hg19) VCF-style: chr19-1496293-CTGT-C.
Other names: c.360GTT[1], p.Leu121del (NM_001329556.3); short protein forms L121del.
Identifiers: ClinVar variation 1358909 (VCV001358909.6), dbSNP rs767332450, ClinGen allele CA9047553.

ClinVar aggregate classification (germline): Uncertain significance. Review status: criteria provided, multiple submitters, no conflicts (2 of 4 stars). 2 submissions from 2 submitters: Uncertain significance (2). Last evaluated 2023-08-16.

Submissions (2):

Blueprint Genetics
Classification: Uncertain significance. Last evaluated: 2023-08-16. Review status: criteria provided, single submitter. Criteria: ACMG Guidelines, 2015. Collection method: clinical testing. Allele origin: germline.

Labcorp Genetics (formerly Invitae), Labcorp
Classification: Uncertain significance. Last evaluated: 2021-09-17. Review status: criteria provided, single submitter. Criteria: Invitae Variant Classification Sherloc (09022015). Collection method: clinical testing. Allele origin: germline.
Comment: This variant, c.363_365del, results in the deletion of one amino acid of the REEP6 protein (p.Leu121del), but otherwise preserves the integrity of the reading frame. This variant is present in population databases (rs767332450, ExAC 0.02%). This variant has not been reported in the literature in individuals affected with REEP6-related conditions. Experimental studies and prediction algorithms are not available or were not evaluated, and the functional significance of this variant is currently unknown. In summary, the available evidence is currently insufficient to determine the role of this variant in disease. Therefore, it has been classified as a Variant of Uncertain Significance.